The following is an entry in ClinVar:

ClinVar aggregate classification (germline): Likely benign (1 of 4 stars; one submission).

Allele frequency attached by ClinVar (database versions not stated): TOPMed below 0.00001.

Submission:

CeGaT Center for Human Genetics Tuebingen
Classification: Likely benign. Last evaluated: 2024-05-01. Review status: criteria provided, single submitter. Criteria: CeGaT Center For Human Genetics Tuebingen Variant Classification Criteria Version 2. Collection method: clinical testing. Allele origin: germline. Affected: yes. Observed: 1 variant allele.
Comment: AP1S2: BP4, BP7

NM_001272071.2(AP1S2):c.108G>A (p.Gln36=)

Gene: AP1S2 (adaptor related protein complex 1 subunit sigma 2; minus strand). Cytogenetic location: Xp22.2.
Variant type: single nucleotide variant.
Coding change: c.108G>A on transcript NM_001272071.2 (MANE Select); coding-DNA position 108, G replaced by A.
Protein change: p.Gln36=; no amino-acid change (glutamine 36 retained).
Molecular consequence: synonymous variant. On other transcripts: non-coding transcript variant (2).
Genome position (GRCh38, 1-based): chrX:15,852,417, C>T on the plus strand (G>A on the coding strand, the complement: AP1S2 is on the minus strand). VCF-style: chrX-15852417-C-T. GRCh37 (hg19) VCF-style: chrX-15870540-C-T.
Other names: c.108G>A, p.Gln36= (NM_001368994.1, NM_001369007.1, NM_001369008.1 and 1 more transcripts).
Identifiers: ClinVar variation 3239233 (VCV003239233.19), dbSNP rs1934206938.